The following is an entry in ClinVar:

ClinVar aggregate classification (germline): Uncertain significance (1 of 4 stars; one submission).

Allele frequency attached by ClinVar (database versions not stated): gnomAD exomes below 0.00001; ExAC 0.00001; gnomAD 0.00001; TOPMed 0.00001.
gnomAD v4.1: 3 of 1,614,176 alleles (0.00019%); highest among the groups gnomAD compares: East Asian, 0.0045%; no homozygotes.

Submission:

Labcorp Genetics (formerly Invitae), Labcorp
Classification: Uncertain significance. Last evaluated: 2022-05-04. Review status: criteria provided, single submitter. Criteria: Invitae Variant Classification Sherloc (09022015). Collection method: clinical testing. Allele origin: germline.
Comment: In summary, the available evidence is currently insufficient to determine the role of this variant in disease. Therefore, it has been classified as a Variant of Uncertain Significance. Algorithms developed to predict the effect of missense changes on protein structure and function are either unavailable or do not agree on the potential impact of this missense change (SIFT: "Not Available"; PolyPhen-2: "Benign"; Align-GVGD: "Not Available"). This variant has not been reported in the literature in individuals affected with ADAMTS17-related conditions. This variant is present in population databases (rs758345120, gnomAD 0.006%). This sequence change replaces proline, which is neutral and non-polar, with serine, which is neutral and polar, at codon 844 of the ADAMTS17 protein (p.Pro844Ser).

NM_139057.4(ADAMTS17):c.2530C>T (p.Pro844Ser)

Gene: ADAMTS17 (ADAM metallopeptidase with thrombospondin type 1 motif 17; minus strand). Cytogenetic location: 15q26.3.
Variant type: single nucleotide variant.
Coding change: c.2530C>T on transcript NM_139057.4 (MANE Select); coding-DNA position 2530, C replaced by T.
Protein change: p.Pro844Ser; replaces proline 844 with serine.
Molecular consequence: missense variant.
Genome position (GRCh38, 1-based): chr15:100,048,918, G>A on the plus strand (C>T on the coding strand, the complement: ADAMTS17 is on the minus strand). VCF-style: chr15-100048918-G-A. GRCh37 (hg19) VCF-style: chr15-100589123-G-A.
Other names: short protein forms P844S.
Identifiers: ClinVar variation 2091134 (VCV002091134.4), dbSNP rs758345120, ClinGen allele CA7757690.